The following is an entry in ClinVar:

ClinVar aggregate classification (germline): Uncertain significance (1 of 4 stars; one submission).

gnomAD v4.1: 5 of 1,614,162 alleles (0.00031%); highest among the groups gnomAD compares: Non-Finnish European, 0.00042%; no homozygotes.

Submission:

Labcorp Genetics (formerly Invitae), Labcorp
Classification: Uncertain significance. Last evaluated: 2025-02-06. Review status: criteria provided, single submitter. Criteria: Invitae Variant Classification Sherloc (09022015). Collection method: clinical testing. Allele origin: germline.
Comment: This sequence change affects codon 166 of the ACACA mRNA. It is a 'silent' change, meaning that it does not change the encoded amino acid sequence of the ACACA protein. It affects a nucleotide within the consensus splice site. This variant is present in population databases (rs773632926, gnomAD 0.0009%). This variant has not been reported in the literature in individuals affected with ACACA-related conditions. ClinVar contains an entry for this variant (Variation ID: 1448996). Algorithms developed to predict the effect of sequence changes on RNA splicing suggest that this variant is not likely to affect RNA splicing. In summary, the available evidence is currently insufficient to determine the role of this variant in disease. Therefore, it has been classified as a Variant of Uncertain Significance.

NM_198834.3(ACACA):c.609A>G (p.Ala203=)

Gene: ACACA (acetyl-CoA carboxylase alpha; minus strand). Cytogenetic location: 17q12.
Variant type: single nucleotide variant.
Coding change: c.609A>G on transcript NM_198834.3 (MANE Select); coding-DNA position 609, A replaced by G.
Protein change: p.Ala203=; no amino-acid change (alanine 203 retained).
Molecular consequence: synonymous variant.
Genome position (GRCh38, 1-based): chr17:37,283,268, T>C on the plus strand (A>G on the coding strand, the complement: ACACA is on the minus strand). VCF-style: chr17-37283268-T-C. GRCh37 (hg19) VCF-style: chr17-35640169-T-C.
Other names: c.498A>G, p.Ala166= (NM_198836.3, NM_198839.3); c.324A>G, p.Ala108= (NM_198837.2); c.264A>G, p.Ala88= (NM_198838.2).
Identifiers: ClinVar variation 1448996 (VCV001448996.6), dbSNP rs773632926, ClinGen allele CA8515982.